The following is an entry in ClinVar:

ClinVar aggregate classification (germline): Uncertain significance. Review status: criteria provided, multiple submitters, no conflicts (2 of 4 stars). 2 submissions from 2 submitters: Uncertain significance (2). Last evaluated 2025-03-04.

Conditions:
Progressive microcephaly-seizures-cortical blindness-developmental delay syndrome. Also called: Seizures, cortical blindness, and microcephaly syndrome. Identifiers: Orphanet 477814, MedGen C5567650, MONDO:0014714, OMIM 616632.
Autosomal dominant nonsyndromic hearing loss 1. Also called: KONIGSMARK SYNDROME; DEAFNESS, AUTOSOMAL DOMINANT 1, WITH OR WITHOUT THROMBOCYTOPENIA. Identifiers: Orphanet 90635, MedGen C1852282, MONDO:0007424, OMIM 124900.
Inborn genetic diseases. Identifiers: MedGen C0950123, MeSH D030342.

Submissions (2):

Labcorp Genetics (formerly Invitae), Labcorp
Classification: Uncertain significance for Progressive microcephaly-seizures-cortical blindness-developmental delay syndrome; Autosomal dominant nonsyndromic hearing loss 1. Last evaluated: 2025-03-04. Review status: criteria provided, single submitter. Criteria: Invitae Variant Classification Sherloc (09022015). Collection method: clinical testing. Allele origin: germline.
Comment: This sequence change replaces valine, which is neutral and non-polar, with isoleucine, which is neutral and non-polar, at codon 960 of the DIAPH1 protein (p.Val960Ile). This variant is not present in population databases (gnomAD no frequency). This variant has not been reported in the literature in individuals affected with DIAPH1-related conditions. ClinVar contains an entry for this variant (Variation ID: 1007036). An algorithm developed to predict the effect of missense changes on protein structure and function (PolyPhen-2) suggests that this variant is likely to be disruptive. In summary, the available evidence is currently insufficient to determine the role of this variant in disease. Therefore, it has been classified as a Variant of Uncertain Significance.

Ambry Genetics
Classification: Uncertain significance for Inborn genetic diseases. Last evaluated: 2024-06-05. Review status: criteria provided, single submitter. Criteria: Ambry Variant Classification Scheme 2023. Collection method: clinical testing. Allele origin: germline.

NM_005219.5(DIAPH1):c.2878G>A (p.Val960Ile)

Gene: DIAPH1 (diaphanous related formin 1; minus strand). Cytogenetic location: 5q31.3.
Variant type: single nucleotide variant.
Coding change: c.2878G>A on transcript NM_005219.5 (MANE Select); coding-DNA position 2878, G replaced by A.
Protein change: p.Val960Ile; replaces valine 960 with isoleucine.
Molecular consequence: missense variant.
Genome position (GRCh38, 1-based): chr5:141,528,842, C>T on the plus strand (G>A on the coding strand, the complement: DIAPH1 is on the minus strand). VCF-style: chr5-141528842-C-T. GRCh37 (hg19) VCF-style: chr5-140908409-C-T.
Other names: c.2878G>A (NM_005219.4); c.2851G>A, p.Val951Ile (NM_001079812.3); c.2878G>A, p.Val960Ile (NM_001314007.2); short protein forms V951I, V960I.
Identifiers: ClinVar variation 1007036 (VCV001007036.10), dbSNP rs2099887778, ClinGen allele CA361584885.